The following is an entry in ClinVar:

NM_000138.5(FBN1):c.1713A>G (p.Glu571=)

Gene: FBN1 (fibrillin 1; minus strand). Cytogenetic location: 15q21.1.
Variant type: single nucleotide variant.
Coding change: c.1713A>G on transcript NM_000138.5 (MANE Select); coding-DNA position 1713, A replaced by G.
Protein change: p.Glu571=; no amino-acid change (glutamic acid 571 retained).
Molecular consequence: synonymous variant.
Genome position (GRCh38, 1-based): chr15:48,510,045, T>C on the plus strand (A>G on the coding strand, the complement: FBN1 is on the minus strand). VCF-style: chr15-48510045-T-C. GRCh37 (hg19) VCF-style: chr15-48802242-T-C.
Other names: c.1713A>G, p.Glu571= (NM_001406716.1).
Identifiers: ClinVar variation 2934731 (VCV002934731.4), dbSNP rs2043745450, ClinGen allele CA490027218.

ClinVar aggregate classification (germline): Uncertain significance. Review status: criteria provided, multiple submitters, no conflicts (2 of 4 stars). 2 submissions from 2 submitters: Uncertain significance (2). Last evaluated 2025-07-07.

Conditions:
Marfan syndrome (MFS). Also called: MARFAN SYNDROME, TYPE I; Marfan syndrome type 1; Marfan's syndrome; Marfan syndrome, classic; FBN1-Related Marfan Syndrome. Identifiers: Orphanet 284963, Orphanet 558, MedGen C0024796, MONDO:0007947, OMIM 154700.
Familial thoracic aortic aneurysm and aortic dissection (TAAD). Also called: Thoracic aortic aneurysms and dissections. Identifiers: Orphanet 91387, MedGen C4707243, MONDO:0019625.

Submissions (2):

Color Diagnostics, LLC DBA Color Health
Classification: Uncertain significance for Familial thoracic aortic aneurysm and aortic dissection. Last evaluated: 2025-07-07. Review status: criteria provided, single submitter. Criteria: ACMG Guidelines, 2015. Collection method: clinical testing. Allele origin: germline.
Comment: This variant is located in the FBN1 protein. To our knowledge, functional studies have not been reported for this variant. This variant has not been reported in individuals affected with FBN1-related disorders in the literature. This variant has not been identified in the general population by the Genome Aggregation Database (gnomAD). The available evidence is insufficient to determine the role of this variant in disease conclusively. Therefore, this variant is classified as a Variant of Uncertain Significance.

Labcorp Genetics (formerly Invitae), Labcorp
Classification: Uncertain significance for Marfan syndrome; Familial thoracic aortic aneurysm and aortic dissection. Last evaluated: 2023-11-01. Review status: criteria provided, single submitter. Criteria: Invitae Variant Classification Sherloc (09022015). Collection method: clinical testing. Allele origin: germline.
Comment: This sequence change affects codon 571 of the FBN1 mRNA. It is a 'silent' change, meaning that it does not change the encoded amino acid sequence of the FBN1 protein. It affects a nucleotide within the consensus splice site. This variant is not present in population databases (gnomAD no frequency). This variant has not been reported in the literature in individuals affected with FBN1-related conditions. Algorithms developed to predict the effect of sequence changes on RNA splicing suggest that this variant may disrupt the consensus splice site. In summary, the available evidence is currently insufficient to determine the role of this variant in disease. Therefore, it has been classified as a Variant of Uncertain Significance.